The following is an entry in ClinVar:

NM_000441.2(SLC26A4):c.2144A>G (p.Lys715Arg)

Genes: SLC26A4 (solute carrier family 26 member 4; plus strand), LOC123956210 (Sharpr-MPRA regulatory region 3291; plus strand). Cytogenetic location: 7q22.3.
Variant type: single nucleotide variant.
Coding change: c.2144A>G on transcript NM_000441.2 (MANE Select); coding-DNA position 2144, A replaced by G.
Protein change: p.Lys715Arg; replaces lysine 715 with arginine.
Molecular consequence: missense variant.
Genome position (GRCh38, 1-based): chr7:107,710,108, A>G. VCF-style: chr7-107710108-A-G. GRCh37 (hg19) VCF-style: chr7-107350553-A-G.
Other names: short protein forms K715R.
Identifiers: ClinVar variation 1962121 (VCV001962121.5), dbSNP rs1249732570, ClinGen allele CA368845755.

ClinVar aggregate classification (germline): Uncertain significance (1 of 4 stars; one submission).

Allele frequency attached by ClinVar (database versions not stated): gnomAD exomes below 0.00001.
gnomAD v4.1: 1 of 1,610,870 alleles (0.000062%); highest among the groups gnomAD compares: Non-Finnish European, 0.000085%; no homozygotes.

Submission:

Labcorp Genetics (formerly Invitae), Labcorp
Classification: Uncertain significance. Last evaluated: 2022-02-19. Review status: criteria provided, single submitter. Criteria: Invitae Variant Classification Sherloc (09022015). Collection method: clinical testing. Allele origin: germline.
Comment: In summary, the available evidence is currently insufficient to determine the role of this variant in disease. Therefore, it has been classified as a Variant of Uncertain Significance. Advanced modeling of protein sequence and biophysical properties (such as structural, functional, and spatial information, amino acid conservation, physicochemical variation, residue mobility, and thermodynamic stability) performed at Invitae indicates that this missense variant is not expected to disrupt SLC26A4 protein function. This variant has not been reported in the literature in individuals affected with SLC26A4-related conditions. This variant is present in population databases (no rsID available, gnomAD 0.0009%). This sequence change replaces lysine, which is basic and polar, with arginine, which is basic and polar, at codon 715 of the SLC26A4 protein (p.Lys715Arg).